The following is an entry in ClinVar:

NM_001348323.3(TRIP12):c.4287G>A (p.Pro1429=)

Gene: TRIP12 (thyroid hormone receptor interactor 12; minus strand). Cytogenetic location: 2q36.3.
Variant type: single nucleotide variant.
Coding change: c.4287G>A on transcript NM_001348323.3 (MANE Select); coding-DNA position 4287, G replaced by A.
Protein change: p.Pro1429=; no amino-acid change (proline 1429 retained).
Molecular consequence: synonymous variant.
Genome position (GRCh38, 1-based): chr2:229,791,994, C>T on the plus strand (G>A on the coding strand, the complement: TRIP12 is on the minus strand). VCF-style: chr2-229791994-C-T. GRCh37 (hg19) VCF-style: chr2-230656710-C-T.
Other names: c.4065G>A, p.Pro1355= (NM_001348331.1); c.4185G>A, p.Pro1395= (NM_001348332.1); c.4209G>A, p.Pro1403= (NM_001348333.1); c.4062G>A, p.Pro1354= (NM_004238.3); c.4206G>A, p.Pro1402= (NM_001284214.2, NM_001348315.2); c.4161G>A, p.Pro1387= (NM_001284215.2, NM_001348316.2); c.3252G>A, p.Pro1084= (NM_001284216.2); c.4146G>A, p.Pro1382= (NM_001348317.1, NM_001348318.2); and 4 more.
Identifiers: ClinVar variation 2651978 (VCV002651978.25), dbSNP rs200028448, ClinGen allele CA2152555.
Genomic context (GRCh38, chr2:229,791,994, plus strand): 5'-TCTTTCATCTTCAGCCTGTATACTAAACTGCCGTACTGCCTGATACACAGTCATGTTATA[C>T]GGCAGCAAATGTTCTCCAATATAAAACTGCAGCCTGTGTCTTACATTTCCTGAATTTAGG-3'
Protein context (NP_001335252.1, residues 1419-1439): LQFYIGEHLL[Pro1429=]YNMTVYQAVR

ClinVar aggregate classification (germline): Likely benign. Review status: criteria provided, multiple submitters, no conflicts (2 of 4 stars). 2 submissions from 2 submitters: Likely benign (2). Last evaluated 2023-09-15.

Allele frequency attached by ClinVar (database versions not stated): gnomAD exomes 0.00005; ExAC 0.00014; ESP Exome Variant Server 0.00031; gnomAD 0.00041; TOPMed 0.00047; 1000 Genomes Project 30x 0.00094; 1000 Genomes Project 0.00100.

Submissions (2):

Blueprint Genetics
Classification: Likely benign. Last evaluated: 2023-09-15. Review status: criteria provided, single submitter. Criteria: ACMG Guidelines, 2015. Collection method: clinical testing. Allele origin: germline.

CeGaT Center for Human Genetics Tuebingen
Classification: Likely benign. Last evaluated: 2023-09-01. Review status: criteria provided, single submitter. Criteria: CeGaT Center For Human Genetics Tuebingen Variant Classification Criteria Version 2. Collection method: clinical testing. Allele origin: germline. Affected: yes. Observed: 1 variant allele.
Comment: TRIP12: BP4, BP7